The following is an entry in ClinVar:

NM_001130987.2(DYSF):c.1985-31C>A

Gene: DYSF (dysferlin; plus strand). Cytogenetic location: 2p13.2.
Variant type: single nucleotide variant.
Coding change: c.1985-31C>A on transcript NM_001130987.2 (MANE Select); 31 bases into the intron before coding-DNA position 1985, C replaced by A.
Molecular consequence: intron variant.
Genome position (GRCh38, 1-based): chr2:71,553,776, C>A. VCF-style: chr2-71553776-C-A. GRCh37 (hg19) VCF-style: chr2-71780906-C-A.
Other names: c.2024-31C>A (NM_001130979.2); c.1982-31C>A (NM_001130981.2, NM_001130980.2); c.1931-31C>A (NM_001130978.2, NM_003494.4); c.1889-31C>A (NM_001130977.2, NM_001130976.2); c.2027-31C>A (NM_001130982.2); c.1985-31C>A (NM_001130985.2); c.1934-31C>A (NM_001130983.2, NM_001130455.2); c.1892-31C>A (NM_001130984.2, NM_001130986.2).
Identifiers: ClinVar variation 259067 (VCV000259067.3), dbSNP rs13424178, ClinGen allele CA1706012.

ClinVar aggregate classification (germline): Benign/Likely benign. Review status: criteria provided, multiple submitters, no conflicts (2 of 4 stars). 3 submissions from 3 submitters: Benign (1); Likely benign (2). Last evaluated 2018-06-14.

Allele frequency attached by ClinVar (database versions not stated): 1000 Genomes Project 0.02177; 1000 Genomes Project 30x 0.02233; gnomAD 0.03166; TOPMed 0.03671; ESP Exome Variant Server 0.04452.
gnomAD v4.1: 75,064 of 674,188 alleles (11%); highest among the groups gnomAD compares: Non-Finnish European, 15%; 2,212 homozygotes.

Submissions (3):

GeneDx
Classification: Likely benign. Last evaluated: 2018-06-14. Review status: criteria provided, single submitter. Criteria: GeneDx Variant Classification (06012015). Collection method: clinical testing. Allele origin: germline. Affected: yes.
Comment: This variant is considered likely benign or benign based on one or more of the following criteria: it is a conservative change, it occurs at a poorly conserved position in the protein, it is predicted to be benign by multiple in silico algorithms, and/or has population frequency not consistent with disease.

Breakthrough Genomics
Classification: Likely benign. Review status: criteria provided, single submitter. Criteria: ACMG Guidelines, 2015. Collection method: not provided. Allele origin: germline. Inheritance: Autosomal recessive inheritance. Affected: yes.

PreventionGenetics, part of Exact Sciences
Classification: Benign. Review status: criteria provided, single submitter. Criteria: ACMG Guidelines, 2015. Collection method: clinical testing. Allele origin: germline.